The following is an entry in ClinVar:

ClinVar aggregate classification (germline): Uncertain significance. Review status: criteria provided, multiple submitters, no conflicts (2 of 4 stars). 2 submissions from 2 submitters: Uncertain significance (2). Last evaluated 2024-07-18.

Conditions:
Inborn genetic diseases. Identifiers: MedGen C0950123, MeSH D030342.

gnomAD v4.1: 4 of 1,613,590 alleles (0.00025%); highest among the groups gnomAD compares: Non-Finnish European, 0.00034%; no homozygotes.

Submissions (2):

Labcorp Genetics (formerly Invitae), Labcorp
Classification: Uncertain significance. Last evaluated: 2024-07-18. Review status: criteria provided, single submitter. Criteria: Invitae Variant Classification Sherloc (09022015). Collection method: clinical testing. Allele origin: germline.
Comment: This sequence change replaces lysine, which is basic and polar, with arginine, which is basic and polar, at codon 681 of the ERBB4 protein (p.Lys681Arg). This variant is not present in population databases (gnomAD no frequency). This variant has not been reported in the literature in individuals affected with ERBB4-related conditions. Advanced modeling of protein sequence and biophysical properties (such as structural, functional, and spatial information, amino acid conservation, physicochemical variation, residue mobility, and thermodynamic stability) performed at Invitae indicates that this missense variant is not expected to disrupt ERBB4 protein function with a negative predictive value of 80%. In summary, the available evidence is currently insufficient to determine the role of this variant in disease. Therefore, it has been classified as a Variant of Uncertain Significance.

Ambry Genetics
Classification: Uncertain significance for Inborn genetic diseases. Last evaluated: 2024-06-26. Review status: criteria provided, single submitter. Criteria: Ambry Variant Classification Scheme 2023. Collection method: clinical testing. Allele origin: germline.

NM_005235.3(ERBB4):c.2042A>G (p.Lys681Arg)

Gene: ERBB4 (erb-b2 receptor tyrosine kinase 4; minus strand). Cytogenetic location: 2q34.
Variant type: single nucleotide variant.
Coding change: c.2042A>G on transcript NM_005235.3 (MANE Select); coding-DNA position 2042, A replaced by G.
Protein change: p.Lys681Arg; replaces lysine 681 with arginine.
Molecular consequence: missense variant.
Genome position (GRCh38, 1-based): chr2:211,630,499, T>C on the plus strand (A>G on the coding strand, the complement: ERBB4 is on the minus strand). VCF-style: chr2-211630499-T-C. GRCh37 (hg19) VCF-style: chr2-212495224-T-C.
Other names: c.2042A>G, p.Lys681Arg (NM_001042599.2); short protein forms K681R.
Identifiers: ClinVar variation 3509763 (VCV003509763.3).